The following is an entry in ClinVar:

ClinVar aggregate classification (germline): Likely pathogenic (1 of 4 stars; one submission).

Conditions:
Dilated cardiomyopathy 1G (CMD1G). Identifiers: Orphanet 154, MedGen C1858763, MONDO:0011400, OMIM 604145.
Autosomal recessive limb-girdle muscular dystrophy type 2J (LGMDR10). Also called: MUSCULAR DYSTROPHY, LIMB-GIRDLE, AUTOSOMAL RECESSIVE 10; Limb-girdle muscular dystrophy, type 2J. Identifiers: Orphanet 140922, MedGen C1837342, MONDO:0012127, OMIM 608807.

Allele frequency attached by ClinVar (database versions not stated): gnomAD exomes below 0.00001.
gnomAD v4.1: 4 of 1,613,316 alleles (0.00025%); highest among the groups gnomAD compares: South Asian, 0.0033%; no homozygotes.

Submission:

Labcorp Genetics (formerly Invitae), Labcorp
Classification: Likely pathogenic for Dilated cardiomyopathy 1G; Autosomal recessive limb-girdle muscular dystrophy type 2J. Last evaluated: 2025-04-29. Review status: criteria provided, single submitter. Criteria: Invitae Variant Classification Sherloc (09022015). Collection method: clinical testing. Allele origin: germline.
Comment: This sequence change creates a premature translational stop signal (p.Glu21506*) in the TTN gene. While this is not anticipated to result in nonsense mediated decay, it is expected to create a truncated TTN protein. This variant is not present in population databases (gnomAD no frequency). This premature translational stop signal has been observed in individual(s) with dilated cardiomyopathy (internal data). ClinVar contains an entry for this variant (Variation ID: 1954216). This variant is located in the A band of TTN (PMID: 25589632). Truncating variants in this region are significantly overrepresented in patients affected with dilated cardiomyopathy (PMID: 25589632). Truncating variants in this region have also been reported in individuals affected with autosomal recessive centronuclear myopathy (PMID: 23975875). In summary, the currently available evidence indicates that the variant is pathogenic, but additional data are needed to prove that conclusively. Therefore, this variant has been classified as Likely Pathogenic.

Literature cited by the submitters: PubMed 25589632; PubMed 23975875.

NM_001267550.2(TTN):c.64516G>T (p.Glu21506Ter)

Genes: TTN-AS1 (TTN antisense RNA 1; plus strand), TTN (titin; minus strand). Cytogenetic location: 2q31.2.
Variant type: single nucleotide variant.
Coding change: c.64516G>T on transcript NM_001267550.2 (MANE Select); coding-DNA position 64516, G replaced by T.
Protein change: p.Glu21506Ter; replaces glutamic acid 21506 with a stop codon.
Molecular consequence: nonsense.
Genome position (GRCh38, 1-based): chr2:178,585,228, C>A on the plus strand (G>T on the coding strand, the complement: TTN is on the minus strand). VCF-style: chr2-178585228-C-A. GRCh37 (hg19) VCF-style: chr2-179449955-C-A.
Other names: c.59593G>T, p.Glu19865Ter (NM_001256850.1); c.37321G>T, p.Glu12441Ter (NM_003319.4); c.56812G>T, p.Glu18938Ter (NM_133378.4); c.37696G>T, p.Glu12566Ter (NM_133432.3); c.37897G>T, p.Glu12633Ter (NM_133437.4); short protein forms E18938*, E12441*, E12566*, E12633*, E19865*, E21506*.
Identifiers: ClinVar variation 1954216 (VCV001954216.5), dbSNP rs2469176105, ClinGen allele CA349439275.
Genomic context (GRCh38, chr2:178,585,228, plus strand): 5'-TGATCAGAATTGAAGAGCTGTCTGCTTTATGCACTGCCAGGTGGCTGGATGTGACAACTT[C>A]ATCTTCTCCTTTTTTCCATTTACAGGTGGGATGAGGCTTTCCATACACATGGGCTTCAAT-3'